The following is an entry in ClinVar:

NM_001035.3(RYR2):c.1612+13_1612+14delinsGC

Gene: RYR2 (ryanodine receptor 2; plus strand). Cytogenetic location: 1q43.
Variant type: Indel.
Coding change: c.1612+13_1612+14delinsGC on transcript NM_001035.3 (MANE Select); bases 13 to 14 of the intron after coding-DNA position 1612, AT replaced by GC.
Molecular consequence: intron variant.
Genome position (GRCh38, 1-based): chr1:237,456,748-237,456,749, AT replaced by GC. VCF-style: chr1-237456748-AT-GC. GRCh37 (hg19) VCF-style: chr1-237620048-AT-GC.
Other names: c.1612+13_1612+14delinsGC (LRG_402t1, NM_001035.2).
Identifiers: ClinVar variation 422061 (VCV000422061.11), dbSNP rs1064795529, ClinGen allele CA16617099.

ClinVar aggregate classification (germline): Likely benign. Review status: criteria provided, multiple submitters, no conflicts (2 of 4 stars). 3 submissions from 3 submitters: Likely benign (3). Last evaluated 2026-01-28.

Conditions:
Catecholaminergic polymorphic ventricular tachycardia 1. Also called: RYR2-Related Catecholaminergic Polymorphic Ventricular Tachycardia; VENTRICULAR TACHYCARDIA, STRESS-INDUCED POLYMORPHIC 1; VENTRICULAR TACHYCARDIA, CATECHOLAMINERGIC POLYMORPHIC, 1, WITH OR WITHOUT ATRIAL DYSFUNCTION AND/OR DILATED CARDIOMYOPATHY. Identifiers: Orphanet 3286, MedGen C1631597, MONDO:0011484, OMIM 604772.

Submissions (3):

Labcorp Genetics (formerly Invitae), Labcorp
Classification: Likely benign for Catecholaminergic polymorphic ventricular tachycardia 1. Last evaluated: 2026-01-28. Review status: criteria provided, single submitter. Criteria: Invitae Variant Classification Sherloc (09022015). Collection method: clinical testing. Allele origin: germline.

Women's Health and Genetics/Laboratory Corporation of America, LabCorp
Classification: Likely benign. Last evaluated: 2020-08-17. Review status: criteria provided, single submitter. Criteria: LabCorp Variant Classification Summary - May 2015. Collection method: clinical testing. Allele origin: germline.
Comment: Variant summary: RYR2 c.1612+13_1612+14delinsGC alters a non-conserved nucleotide located close to a canonical splice site and therefore could affect mRNA splicing, leading to a significantly altered protein sequence. 4/4 computational tools predict no significant impact on normal splicing. However, these predictions have yet to be confirmed by functional studies. The variant, c.1612+13_1612+14delinsGC, consists of two adjacent SNPs, i.e. c.1612+14T>C that occurs in about 55% of the tested chromosomes in gnomAD, and c.1612+13A>G that occurs in 22/279434 tested chromosomes (i.e. at a frequency of 7.9e-05). Read data available for 3 samples demonstrated that the two variants occurred together in cis in all of these samples, however it is not possible to confirm that these variants always co-occur in cis in the same individuals. The observed variant frequency for c.1612+13A>G is approximately 2.3-fold higher than the estimated maximal expected allele frequency for a pathogenic variant in RYR2 causing Catecholaminergic Polymorphic Ventricular Tachycardia phenotype (3.4e-05), strongly suggesting that the variant is benign. To our knowledge, no occurrence of c.1612+13_1612+14delinsGC in individuals affected with Catecholaminergic Polymorphic Ventricular Tachycardia and no experimental evidence demonstrating its impact on protein function have been reported. One clinical diagnostic laboratory has submitted clinical-significance assessments for this variant to ClinVar after 2014 without evidence for independent evaluation, and classified the variant as likely benign. Based on the evidence outlined above, the variant was classified as likely benign.

GeneDx
Classification: Likely benign. Last evaluated: 2016-08-18. Review status: criteria provided, single submitter. Criteria: GeneDx Variant Classification (06012015). Collection method: clinical testing. Allele origin: germline. Affected: yes.
Comment: This variant is considered likely benign or benign based on one or more of the following criteria: it is a conservative change, it occurs at a poorly conserved position in the protein, it is predicted to be benign by multiple in silico algorithms, and/or has population frequency not consistent with disease.